The following is an entry in ClinVar:

ClinVar aggregate classification (germline): Uncertain significance (1 of 4 stars; one submission).

gnomAD v4.1: 2 of 1,614,086 alleles (0.00012%); highest among the groups gnomAD compares: Non-Finnish European, 0.00017%; no homozygotes.

Submission:

GeneDx
Classification: Uncertain significance. Last evaluated: 2024-04-17. Review status: criteria provided, single submitter. Criteria: GeneDx Variant Classification Process June 2021. Collection method: clinical testing. Allele origin: germline. Affected: yes.
Comment: Not observed at significant frequency in large population cohorts (gnomAD); In silico analysis indicates that this missense variant does not alter protein structure/function; Has not been previously published as pathogenic or benign to our knowledge

NM_000540.3(RYR1):c.5755G>A (p.Glu1919Lys)

Gene: RYR1 (ryanodine receptor 1; plus strand). Cytogenetic location: 19q13.2.
Variant type: single nucleotide variant.
Coding change: c.5755G>A on transcript NM_000540.3 (MANE Select); coding-DNA position 5755, G replaced by A.
Protein change: p.Glu1919Lys; replaces glutamic acid 1919 with lysine.
Molecular consequence: missense variant.
Genome position (GRCh38, 1-based): chr19:38,489,384, G>A. VCF-style: chr19-38489384-G-A. GRCh37 (hg19) VCF-style: chr19-38980024-G-A.
Other names: c.5755G>A, p.Glu1919Lys (NM_001042723.2); short protein forms E1919K.
Identifiers: ClinVar variation 3372105 (VCV003372105.1).